The following is an entry in ClinVar:

ClinVar aggregate classification (germline): Uncertain significance (1 of 4 stars; one submission).

Conditions:
Bethlem myopathy 1A. Also called: MYOPATHY, BENIGN CONGENITAL, WITH CONTRACTURES; Bethlem Muscular Dystrophy; Bethlem myopathy 1. Identifiers: Orphanet 610, MedGen CN029274, MONDO:0024530, OMIM 158810.

Submission:

Labcorp Genetics (formerly Invitae), Labcorp
Classification: Uncertain significance for Bethlem myopathy 1A. Last evaluated: 2021-11-27. Review status: criteria provided, single submitter. Criteria: Invitae Variant Classification Sherloc (09022015). Collection method: clinical testing. Allele origin: germline.
Comment: In summary, the available evidence is currently insufficient to determine the role of this variant in disease. Therefore, it has been classified as a Variant of Uncertain Significance. Algorithms developed to predict the effect of sequence changes on RNA splicing suggest that this variant may create or strengthen a splice site. Advanced modeling of protein sequence and biophysical properties (such as structural, functional, and spatial information, amino acid conservation, physicochemical variation, residue mobility, and thermodynamic stability) performed at Invitae indicates that this missense variant is expected to disrupt COL6A3 protein function. This variant has not been reported in the literature in individuals affected with COL6A3-related conditions. This variant is not present in population databases (gnomAD no frequency). This sequence change replaces asparagine, which is neutral and polar, with tyrosine, which is neutral and polar, at codon 2079 of the COL6A3 protein (p.Asn2079Tyr).

NM_004369.4(COL6A3):c.6235A>T (p.Asn2079Tyr)

Gene: COL6A3 (collagen type VI alpha 3 chain; minus strand). Cytogenetic location: 2q37.3.
Variant type: single nucleotide variant.
Coding change: c.6235A>T on transcript NM_004369.4 (MANE Select); coding-DNA position 6235, A replaced by T.
Protein change: p.Asn2079Tyr; replaces asparagine 2079 with tyrosine.
Molecular consequence: missense variant.
Genome position (GRCh38, 1-based): chr2:237,360,135, T>A on the plus strand (A>T on the coding strand, the complement: COL6A3 is on the minus strand). VCF-style: chr2-237360135-T-A. GRCh37 (hg19) VCF-style: chr2-238268778-T-A.
Other names: c.4414A>T, p.Asn1472Tyr (NM_057166.5); c.5617A>T, p.Asn1873Tyr (NM_057167.4); short protein forms N1472Y, N2079Y, N1873Y.
Identifiers: ClinVar variation 1427710 (VCV001427710.6), dbSNP rs2106342283, ClinGen allele CA351216647.